The following is an entry in ClinVar:

NM_138386.3(NAF1):c.304G>A (p.Ala102Thr)

Gene: NAF1 (nuclear assembly factor 1 ribonucleoprotein; minus strand). Cytogenetic location: 4q32.2.
Variant type: single nucleotide variant.
Coding change: c.304G>A on transcript NM_138386.3 (MANE Select); coding-DNA position 304, G replaced by A.
Protein change: p.Ala102Thr; replaces alanine 102 with threonine.
Molecular consequence: missense variant.
Genome position (GRCh38, 1-based): chr4:163,166,424, C>T on the plus strand (G>A on the coding strand, the complement: NAF1 is on the minus strand). VCF-style: chr4-163166424-C-T. GRCh37 (hg19) VCF-style: chr4-164087576-C-T.
Other names: c.304G>A, p.Ala102Thr (NM_001128931.2); short protein forms A102T.
Identifiers: ClinVar variation 3014162 (VCV003014162.3), dbSNP rs200055496, ClinGen allele CA3126423.

ClinVar aggregate classification (germline): Uncertain significance (1 of 4 stars; one submission).

Allele frequency attached by ClinVar (database versions not stated): ESP Exome Variant Server 0.00009.
gnomAD v4.1: 13 of 1,607,332 alleles (0.00081%); highest among the groups gnomAD compares: African/African-American, 0.008%; no homozygotes.

Submission:

Labcorp Genetics (formerly Invitae), Labcorp
Classification: Uncertain significance. Last evaluated: 2023-12-07. Review status: criteria provided, single submitter. Criteria: Invitae Variant Classification Sherloc (09022015). Collection method: clinical testing. Allele origin: germline.
Comment: This sequence change replaces alanine, which is neutral and non-polar, with threonine, which is neutral and polar, at codon 102 of the NAF1 protein (p.Ala102Thr). The frequency data for this variant in the population databases is considered unreliable, as metrics indicate poor data quality at this position in the gnomAD database. This variant has not been reported in the literature in individuals affected with NAF1-related conditions. Algorithms developed to predict the effect of missense changes on protein structure and function output the following: SIFT: "Not Available"; PolyPhen-2: "Benign"; Align-GVGD: "Not Available". The threonine amino acid residue is found in multiple mammalian species, which suggests that this missense change does not adversely affect protein function. In summary, the available evidence is currently insufficient to determine the role of this variant in disease. Therefore, it has been classified as a Variant of Uncertain Significance.